The following is an entry in ClinVar:

ClinVar aggregate classification (germline): Likely pathogenic. Review status: criteria provided, multiple submitters, no conflicts (2 of 4 stars). 2 submissions from 2 submitters: Likely pathogenic (2). Last evaluated 2024-03-11.

Conditions:
Glutaric acidemia type 2C.
Multiple acyl-CoA dehydrogenase deficiency (MADD). Also called: ETHYLMALONIC-ADIPICACIDURIA; GA II; Glutaric Acidemia type 2; Glutaric aciduria, type 2; Glutaric acidemia type II; GA 2. Identifiers: Orphanet 26791, MedGen C0268596, MONDO:0009282, OMIM 231680.

Allele frequency attached by ClinVar (database versions not stated): gnomAD exomes below 0.00001.

Submissions (2):

Natera, Inc.
Classification: Likely pathogenic for Glutaric acidemia type 2C. Last evaluated: 2024-03-11. Review status: criteria provided, single submitter. Criteria: Natera Variant Classification Schema (03/2026). Collection method: clinical testing. Allele origin: germline.
Comment: The c.577delG variant in ETFDH is a frameshift variant predicted to shift the reading frame beginning at codon 193 and leads to a stop codon 19 codons downstream. This variant is expected to result in nonsense mediated decay, truncation, or a dysfunctional protein product. This variant is rare in the general population with a frequency below the threshold expected for the associated phenotype(s). Given the available evidence, this variant is classified as Likely Pathogenic.

Baylor Genetics
Classification: Likely pathogenic for Multiple acyl-CoA dehydrogenase deficiency. Last evaluated: 2023-01-29. Review status: criteria provided, single submitter. Criteria: ACMG Guidelines, 2015. Collection method: clinical testing. Allele origin: unknown.

NM_004453.4(ETFDH):c.577del (p.Glu193fs)

Gene: ETFDH (electron transfer flavoprotein dehydrogenase; plus strand). Cytogenetic location: 4q32.1.
Variant type: Deletion.
Coding change: c.577del on transcript NM_004453.4 (MANE Select); coding-DNA position 577, one base deleted (G; older notation c.577delG).
Protein change: p.Glu193fs; shifts the reading frame from glutamic acid 193.
Molecular consequence: frameshift variant.
Genome position (GRCh38, 1-based): chr4:158,685,190, G deleted. VCF-style (leftmost placement, unchanged base first): chr4-158685189-TG-T. GRCh37 (hg19) VCF-style: chr4-159606341-TG-T.
Other names: c.436del, p.Glu146fs (NM_001281737.2); c.394del, p.Glu132fs (NM_001281738.1); c.577delG (NM_004453.3); short protein forms E132fs, E146fs, E193fs.
Identifiers: ClinVar variation 2675126 (VCV002675126.2), dbSNP rs2479088227, ClinGen allele CA2672514631.